The following is an entry in ClinVar:

NM_004577.4(PSPH):c.674A>C (p.Glu225Ala)

Gene: PSPH (phosphoserine phosphatase; minus strand). Cytogenetic location: 7p11.2.
Variant type: single nucleotide variant.
Coding change: c.674A>C on transcript NM_004577.4 (MANE Select); coding-DNA position 674, A replaced by C.
Protein change: p.Glu225Ala; replaces glutamic acid 225 with alanine.
Molecular consequence: missense variant.
Genome position (GRCh38, 1-based): chr7:56,011,766, T>G on the plus strand (A>C on the coding strand, the complement: PSPH is on the minus strand). VCF-style: chr7-56011766-T-G. GRCh37 (hg19) VCF-style: chr7-56079459-T-G.
Other names: c.674A>C, p.Glu225Ala (NM_001370503.1, NM_001370504.1, NM_001370505.1 and 17 more transcripts); short protein forms E225A.
Identifiers: ClinVar variation 4707895 (VCV004707895.1).
Genomic context (GRCh38, chr7:56,011,766, plus strand): 5'-CTGTATAACTTGTAAAAATTCATCTGAAGTTGTTTGGAGCTGTACGACAATGGATGTTAT[T>G]CTTCCAGTTCTCCCAGCAGCTCTACAAAATCAGTGATATACCATTTGGCGTTATCCTTGA-3'
Protein context (NP_004568.2, residues 215-225): DFVELLGELE[Glu225Ala]

ClinVar aggregate classification (germline): Uncertain significance (1 of 4 stars; one submission).

Conditions:
Deficiency of phosphoserine phosphatase (PSPHD). Also called: Phosphoserine phosphatase deficiency; PSPH deficiency. Identifiers: Orphanet 79350, MedGen C1291463, MONDO:0013531, OMIM 614023.

Submission:

Labcorp Genetics (formerly Invitae), Labcorp
Classification: Uncertain significance for Deficiency of phosphoserine phosphatase. Last evaluated: 2025-08-13. Review status: criteria provided, single submitter. Criteria: Invitae Variant Classification Sherloc (09022015). Collection method: clinical testing. Allele origin: germline.
Comment: This sequence change replaces glutamic acid, which is acidic and polar, with alanine, which is neutral and non-polar, at codon 225 of the PSPH protein (p.Glu225Ala). This variant is not present in population databases (gnomAD no frequency). This variant has not been reported in the literature in individuals affected with PSPH-related conditions. An algorithm developed to predict the effect of missense changes on protein structure and function (PolyPhen-2) suggests that this variant is likely to be tolerated. In summary, the available evidence is currently insufficient to determine the role of this variant in disease. Therefore, it has been classified as a Variant of Uncertain Significance.